The following is an entry in ClinVar:

ClinVar aggregate classification (germline): Benign. Review status: reviewed by expert panel (3 of 4 stars). 31 submissions from 31 submitters: Benign (1). 30 of the submissions do not count toward it. Last evaluated 2015-08-10.

Conditions:
Inherited breast cancer and ovarian cancer.
Breast neoplasm. Also called: Neoplasm of breast; Breast tumor; Breast Neoplasms; Neoplasm of the breast. Identifiers: MedGen C1458155, MeSH D001943, MONDO:0021100, HP:0100013. Disease mechanism: gain of function.
Breast and/or ovarian cancer. Identifiers: MedGen CN221562.
Hereditary cancer-predisposing syndrome. Also called: Neoplastic Syndromes, Hereditary; Tumor predisposition; Hereditary Cancer Syndrome; Hereditary neoplastic syndrome. Identifiers: Orphanet 140162, MedGen C0027672, MeSH D009386, MONDO:0015356.
Hereditary breast ovarian cancer syndrome. Also called: Hereditary breast and/or ovarian cancer syndrome; Hereditary breast and ovarian cancer syndrome; Hereditary breast and ovarian cancer; Hereditary breast and ovarian cancer syndrome (HBOC); Breast and ovarian cancer; BRCA1- and BRCA2-Associated Hereditary Breast and Ovarian Cancer. Identifiers: Orphanet 145, MedGen C0677776, MeSH D061325, MONDO:0003582. Disease mechanism: loss of function.
Breast-ovarian cancer, familial, susceptibility to, 2 (BROVCA2). Also called: BRCA2 Hereditary Breast and Ovarian Cancer. Identifiers: Orphanet 145, MedGen C2675520, MONDO:0012933, OMIM 612555. Disease mechanism: loss of function.
Familial cancer of breast. Also called: Hereditary breast cancer; BREAST CANCER, FAMILIAL; hereditary breast carcinoma. Identifiers: Orphanet 227535, MedGen C0346153, MONDO:0016419, OMIM 114480. Disease mechanism: loss of function.

Allele frequency attached by ClinVar (database versions not stated): 1000 Genomes Project 30x 0.00016; ExAC 0.00017; 1000 Genomes Project 0.00020; gnomAD exomes 0.00026 and 0.00034; ESP Exome Variant Server 0.00031; gnomAD 0.00032; TOPMed 0.00032.
gnomAD v4.1: 541 of 1,613,598 alleles (0.034%); highest among the groups gnomAD compares: Admixed American, 0.065%; 1 homozygote.

Submissions 1 to 23 of 31:

Evidence-based Network for the Interpretation of Germline Mutant Alleles (ENIGMA)
Classification: Benign for Breast-ovarian cancer, familial 2. Last evaluated: 2015-08-10. Review status: reviewed by expert panel. Criteria: ENIGMA BRCA1/2 Classification Criteria (2015). Collection method: curation. Allele origin: germline.
Comment: IARC class based on posterior probability from multifactorial likelihood analysis, thresholds for class as per Plon et al. 2008 (PMID: 18951446). Class 1 based on posterior probability = 0.00000000928

CeGaT Center for Human Genetics Tuebingen
Classification: Benign. Last evaluated: 2026-08-01. Review status: criteria provided, single submitter. Criteria: CeGaT Center For Human Genetics Tuebingen Variant Classification Criteria Version 2. Collection method: clinical testing. Allele origin: germline. Affected: yes. Observed: 8 variant alleles. Not counted in ClinVar's aggregate classification.
Comment: BRCA2: BP4, BS1, BS2

Cambridge Genomics Laboratory, East Genomic Laboratory Hub, NHS Genomic Medicine Service
Classification: Benign for Inherited breast cancer and ovarian cancer. Last evaluated: 2026-04-29. Review status: criteria provided, single submitter. Criteria: ACGS Best Practice Guidelines for Variant Classification in Rare Disease 2020. Collection method: clinical testing. Allele origin: germline. Affected: yes. Not counted in ClinVar's aggregate classification.
Comment: BS1_Strong,BP1_Strong,BP4,BP5_Very Strong

Labcorp Genetics (formerly Invitae), Labcorp
Classification: Benign for Hereditary breast ovarian cancer syndrome. Last evaluated: 2026-02-03. Review status: criteria provided, single submitter. Criteria: Invitae Variant Classification Sherloc (09022015). Collection method: clinical testing. Allele origin: germline. Not counted in ClinVar's aggregate classification.

Center for Genomic Medicine, Rigshospitalet, Copenhagen University Hospital
Classification: Benign. Last evaluated: 2025-03-04. Review status: criteria provided, single submitter. Criteria: ACMG Guidelines, 2015. Collection method: clinical testing. Allele origin: germline. Not counted in ClinVar's aggregate classification.

Blueprint Genetics
Classification: Likely benign. Last evaluated: 2024-11-14. Review status: criteria provided, single submitter. Criteria: ACMG Guidelines, 2015. Collection method: clinical testing. Allele origin: germline. Not counted in ClinVar's aggregate classification.

ARUP Laboratories, Molecular Genetics and Genomics, ARUP Laboratories
Classification: Benign. Last evaluated: 2024-10-30. Review status: criteria provided, single submitter. Criteria: ARUP Molecular Germline Variant Investigation Process 2024. Collection method: clinical testing. Allele origin: germline. Not counted in ClinVar's aggregate classification.

Mayo Clinic Laboratories, Mayo Clinic
Classification: Benign. Last evaluated: 2023-10-31. Review status: criteria provided, single submitter. Criteria: ACMG Guidelines, 2015. Collection method: clinical testing. Allele origin: germline. Observed: 9 variant alleles. Not counted in ClinVar's aggregate classification.
Comment: BS1, BS4, BP1_strong, BP5

Genetics Program, Instituto Nacional de Cancer
Classification: Likely benign for Hereditary breast ovarian cancer syndrome. Last evaluated: 2021-11-01. Review status: criteria provided, single submitter. Criteria: ACMG Guidelines, 2015. Collection method: research. Allele origin: germline. Affected: yes. Not counted in ClinVar's aggregate classification.

Sema4
Classification: Likely benign for Hereditary cancer-predisposing syndrome. Last evaluated: 2021-03-30. Review status: criteria provided, single submitter. Criteria: Sema4 Curation Guidelines. Collection method: curation. Allele origin: germline. Not counted in ClinVar's aggregate classification.

Genetic Services Laboratory, University of Chicago
Classification: Likely benign. Last evaluated: 2020-03-17. Review status: criteria provided, single submitter. Criteria: ACMG Guidelines, 2015. Collection method: clinical testing. Allele origin: germline. Affected: no. Not counted in ClinVar's aggregate classification.

CHEO Genetics Diagnostic Laboratory, Children's Hospital of Eastern Ontario
Classification: Likely benign for Breast and/or ovarian cancer. Last evaluated: 2019-12-27. Review status: criteria provided, single submitter. Criteria: ACMG Guidelines, 2015. Collection method: clinical testing. Allele origin: germline. Study: Canadian Open Genetics Repository. Not counted in ClinVar's aggregate classification.

Mendelics
Classification: Likely benign for Breast-ovarian cancer, familial, susceptibility to, 2. Last evaluated: 2019-05-28. Review status: criteria provided, single submitter. Criteria: Mendelics Assertion Criteria 2017. Collection method: clinical testing. Allele origin: unknown. Not counted in ClinVar's aggregate classification.

GeneDx
Classification: Benign. Last evaluated: 2018-11-30. Review status: criteria provided, single submitter. Criteria: GeneDx Variant Classification Process June 2021. Collection method: clinical testing. Allele origin: germline. Affected: yes. Not counted in ClinVar's aggregate classification.
Comment: This variant is associated with the following publications: (PMID: 24055113, 18559594, 25985138, 21952622, 21520273, 21990134, 22505045, 24323938, 12845657, 27616075, 24728327, 21939546, 20104584, 28678401, 17924331, 28680148, 15307796, 25637381, 27741520, 32123317)

PreventionGenetics, part of Exact Sciences
Classification: Likely benign. Last evaluated: 2018-10-18. Review status: criteria provided, single submitter. Criteria: ACMG Guidelines, 2015. Collection method: clinical testing. Allele origin: germline. Not counted in ClinVar's aggregate classification.

Institute for Biomarker Research, Medical Diagnostic Laboratories, L.L.C.
Classification: Likely benign for Hereditary cancer-predisposing syndrome. Last evaluated: 2017-07-12. Review status: criteria provided, single submitter. Criteria: ACMG Guidelines, 2015. Collection method: clinical testing. Allele origin: germline. Not counted in ClinVar's aggregate classification.

Baylor Genetics
Classification: Benign for Familial cancer of breast. Last evaluated: 2017-02-23. Review status: criteria provided, single submitter. Criteria: ACMG Guidelines, 2015. Collection method: clinical testing. Allele origin: germline. Inheritance: Autosomal dominant inheritance. Affected: no. Not counted in ClinVar's aggregate classification.

Laboratory for Molecular Medicine, Mass General Brigham Personalized Medicine
Classification: Uncertain significance. Last evaluated: 2016-03-28. Review status: criteria provided, single submitter. Criteria: LMM Criteria. Collection method: clinical testing. Allele origin: germline. Not counted in ClinVar's aggregate classification.
Comment: Variant identified in a genome or exome case(s) and assessed due to predicted null impact of the variant or pathogenic assertions in the literature or databases. Disclaimer: This variant has not undergone full assessment. The following are preliminary notes: Multiple publications classify as VUS/notpathogenic; ExAC: 17/66638 European chromosomes

Color Diagnostics, LLC DBA Color Health
Classification: Likely benign for Hereditary cancer-predisposing syndrome. Last evaluated: 2015-02-19. Review status: criteria provided, single submitter. Criteria: ACMG Guidelines, 2015. Collection method: clinical testing. Allele origin: germline. Not counted in ClinVar's aggregate classification.

Ambry Genetics
Classification: Benign for Hereditary cancer-predisposing syndrome. Last evaluated: 2014-11-19. Review status: criteria provided, single submitter. Criteria: Ambry Variant Classification Scheme 2023. Collection method: clinical testing. Allele origin: germline. Not counted in ClinVar's aggregate classification.

Molecular Genetics Laboratory, University of Michigan
Classification: Benign for Breast-ovarian cancer, familial, susceptibility to, 2. Last evaluated: 2014-11-03. Review status: criteria provided, single submitter. Criteria: ACMG Guidelines, 2015. Collection method: clinical testing. Allele origin: germline. Affected: yes. Not counted in ClinVar's aggregate classification.

CSER _CC_NCGL, University of Washington
Classification: Likely benign for Breast cancer. Last evaluated: 2014-06-01. Review status: criteria provided, single submitter. Criteria: Amendola et al. (Genome Res. 2015). Collection method: research. Allele origin: germline. Inheritance: Autosomal dominant inheritance. Study: ESP 6500 variant annotation. Not counted in ClinVar's aggregate classification.
Comment: Variants classified for the Actionable exomic incidental findings in 6503 participants: challenges of variant classification manuscript

BRCAlab, Lund University
Classification: Benign for Breast-ovarian cancer, familial, susceptibility to, 2. Last evaluated: 2020-03-02. Review status: no assertion criteria provided. Collection method: clinical testing. Allele origin: germline. Affected: yes. Not counted in ClinVar's aggregate classification.

NM_000059.4(BRCA2):c.223G>C (p.Ala75Pro)

Gene: BRCA2 (BRCA2 DNA repair associated; plus strand). Cytogenetic location: 13q13.1.
Variant type: single nucleotide variant.
Coding change: c.223G>C on transcript NM_000059.4 (MANE Select); coding-DNA position 223, G replaced by C.
Protein change: p.Ala75Pro; replaces alanine 75 with proline.
Molecular consequence: missense variant.
Genome position (GRCh38, 1-based): chr13:32,319,232, G>C. VCF-style: chr13-32319232-G-C. GRCh37 (hg19) VCF-style: chr13-32893369-G-C.
Other names: p.A75P:GCT>CCT; 451G>C; short protein forms A75P.
Identifiers: ClinVar variation 51258 (VCV000051258.138), dbSNP rs28897701, ClinGen allele CA014717.